The following is an entry in ClinVar:

NM_006361.6(HOXB13):c.252A>G (p.Gly84=)

Gene: HOXB13 (homeobox B13; minus strand). Cytogenetic location: 17q21.32.
Variant type: single nucleotide variant.
Coding change: c.252A>G on transcript NM_006361.6 (MANE Select); coding-DNA position 252, A replaced by G.
Protein change: p.Gly84=; no amino-acid change (glycine 84 retained).
Molecular consequence: synonymous variant.
Genome position (GRCh38, 1-based): chr17:48,728,342, T>C on the plus strand (A>G on the coding strand, the complement: HOXB13 is on the minus strand). VCF-style: chr17-48728342-T-C. GRCh37 (hg19) VCF-style: chr17-46805704-T-C.
Identifiers: ClinVar variation 1605960 (VCV001605960.9), dbSNP rs2143073409, ClinGen allele CA500661990.

ClinVar aggregate classification (germline): Benign/Likely benign. Review status: criteria provided, multiple submitters, no conflicts (2 of 4 stars). 2 submissions from 2 submitters: Benign (1); Likely benign (1). Last evaluated 2024-10-29.

Conditions:
Prostate cancer, hereditary, 9 (HPC9). Identifiers: Orphanet 1331, MedGen C1970250, MONDO:0012597, OMIM 610997.

Submissions (2):

Myriad Genetics, Inc.
Classification: Benign for Prostate cancer, hereditary, 9. Last evaluated: 2024-10-29. Review status: criteria provided, single submitter. Criteria: Myriad Autosomal Dominant, Autosomal Recessive and X-Linked Classification Criteria (2023). Collection method: clinical testing. Allele origin: unknown.
Comment: This variant is considered benign. This variant is a silent/synonymous amino acid change and it is not expected to impact splicing.

Labcorp Genetics (formerly Invitae), Labcorp
Classification: Likely benign. Last evaluated: 2022-12-23. Review status: criteria provided, single submitter. Criteria: Invitae Variant Classification Sherloc (09022015). Collection method: clinical testing. Allele origin: germline.